The following is an entry in ClinVar:

NM_000642.3(AGL):c.2793del (p.Lys932fs)

Gene: AGL (amylo-alpha-1,6-glucosidase and 4-alpha-glucanotransferase; plus strand). Cytogenetic location: 1p21.2.
Variant type: Deletion.
Coding change: c.2793del on transcript NM_000642.3 (MANE Select); coding-DNA position 2793, one base deleted (T; older notation c.2793delT).
Protein change: p.Lys932fs; shifts the reading frame from lysine 932.
Molecular consequence: frameshift variant.
Genome position (GRCh38, 1-based): chr1:99,888,089, T deleted; the last of 2 consecutive T bases (chr1:99,888,088-99,888,089); deleting either gives the same sequence. VCF-style (leftmost placement, unchanged base first): chr1-99888087-CT-C. GRCh37 (hg19) VCF-style: chr1-100353643-CT-C.
Other names: c.2793delT, p.Lys932Asnfs (NM_000028.3, NM_000643.3, NM_000644.3 and 2 more transcripts); c.2745delT, p.Lys916Asnfs (NM_000646.3); c.2592delT, p.Lys865Asnfs (NM_001425327.1); c.2589delT, p.Lys864Asnfs (NM_001425328.1); c.2454delT, p.Lys819Asnfs (NM_001425329.1); c.2415delT, p.Lys806Asnfs (NM_001425332.1); short protein forms K916fs, K932fs.
Identifiers: ClinVar variation 1070570 (VCV001070570.7), dbSNP rs2100779184, ClinGen allele CA2499214937.

ClinVar aggregate classification (germline): Pathogenic (1 of 4 stars; one submission).

Conditions:
Glycogen storage disease type III (GSD3). Also called: Cori disease; FORBES DISEASE. Identifiers: Orphanet 366, MedGen C0017922, MONDO:0009291, OMIM 232400.

Submission:

Labcorp Genetics (formerly Invitae), Labcorp
Classification: Pathogenic for Glycogen storage disease type III. Last evaluated: 2022-11-28. Review status: criteria provided, single submitter. Criteria: Invitae Variant Classification Sherloc (09022015). Collection method: clinical testing. Allele origin: germline.
Comment: This sequence change creates a premature translational stop signal (p.Lys932Asnfs*8) in the AGL gene. It is expected to result in an absent or disrupted protein product. Loss-of-function variants in AGL are known to be pathogenic (PMID: 19299494). This variant is not present in population databases (gnomAD no frequency). This variant has not been reported in the literature in individuals affected with AGL-related conditions. ClinVar contains an entry for this variant (Variation ID: 1070570). For these reasons, this variant has been classified as Pathogenic.

Literature cited by the submitters: PubMed 19299494.